The following is an entry in ClinVar:

ClinVar aggregate classification (germline): Pathogenic (1 of 4 stars; one submission).

Conditions:
Generalized epilepsy with febrile seizures plus, type 9 (GEFSP9). Also called: GEFS+, TYPE 9. Identifiers: Orphanet 36387, MedGen C4015395, MONDO:0014517, OMIM 616172.

Submission:

Institute of Human Genetics, University of Leipzig Medical Center
Classification: Pathogenic for Generalized epilepsy with febrile seizures plus, type 9. Review status: criteria provided, single submitter. Criteria: ACMG Guidelines, 2015. Collection method: clinical testing. Allele origin: de novo. Inheritance: Autosomal dominant inheritance. Affected: yes.
Comment: Criteria applied: PVS1,PM2_SUP,PS2_MOD

NM_052874.5(STX1B):c.354+1G>C

Gene: STX1B (syntaxin 1B; minus strand). Cytogenetic location: 16p11.2.
Variant type: single nucleotide variant.
Coding change: c.354+1G>C on transcript NM_052874.5 (MANE Select); the canonical splice donor site of the intron after coding-DNA position 354, G replaced by C.
Molecular consequence: splice donor variant.
Genome position (GRCh38, 1-based): chr16:30,997,501, C>G on the plus strand (G>C on the coding strand, the complement: STX1B is on the minus strand). VCF-style: chr16-30997501-C-G. GRCh37 (hg19) VCF-style: chr16-31008822-C-G.
Identifiers: ClinVar variation 2576582 (VCV002576582.2), dbSNP rs1596717264, ClinGen allele CA395649484.
Genomic context (GRCh38, chr16:30,997,501, plus strand): 5'-CAGCCTGGGCTCCTCCCGAGCTGGGTCCCGACCCGACCCCCAATGGGCTGCCGCCTCCTA[C>G]CTGGGTCTTGCGGATGCGCAGGTCCGCGGAGGAACGGTTCAGCCCCTCCTCCTGTTCAAT-3'